The following is an entry in ClinVar:

NM_001164508.2(NEB):c.11367G>T (p.Met3789Ile)

Gene: NEB (nebulin; minus strand). Cytogenetic location: 2q23.3.
Variant type: single nucleotide variant.
Coding change: c.11367G>T on transcript NM_001164508.2 (MANE Select); coding-DNA position 11367, G replaced by T.
Protein change: p.Met3789Ile; replaces methionine 3789 with isoleucine.
Molecular consequence: missense variant.
Genome position (GRCh38, 1-based): chr2:151,614,510, C>A on the plus strand (G>T on the coding strand, the complement: NEB is on the minus strand). VCF-style: chr2-151614510-C-A. GRCh37 (hg19) VCF-style: chr2-152471024-C-A.
Other names: c.11367G>T, p.Met3789Ile (NM_001164507.2, NM_001271208.2); c.10638G>T, p.Met3546Ile (NM_004543.5); short protein forms M3546I, M3789I.
Identifiers: ClinVar variation 969264 (VCV000969264.6), dbSNP rs1256861153, ClinGen allele CA348782171.

ClinVar aggregate classification (germline): Uncertain significance (1 of 4 stars; one submission).

Conditions:
Nemaline myopathy 2 (NEM2). Also called: Nemaline myopathy 2, autosomal recessive. Identifiers: MedGen C1850569, MONDO:0009725, OMIM 256030.

gnomAD v4.1: 2 of 1,613,906 alleles (0.00012%); highest among the groups gnomAD compares: South Asian, 0.0011%; no homozygotes.

Submission:

Labcorp Genetics (formerly Invitae), Labcorp
Classification: Uncertain significance for Nemaline myopathy 2. Last evaluated: 2021-08-31. Review status: criteria provided, single submitter. Criteria: Invitae Variant Classification Sherloc (09022015). Collection method: clinical testing. Allele origin: germline.
Comment: This sequence change replaces methionine with isoleucine at codon 3789 of the NEB protein (p.Met3789Ile). The methionine residue is moderately conserved and there is a small physicochemical difference between methionine and isoleucine. This variant is not present in population databases (ExAC no frequency). This variant has not been reported in the literature in individuals affected with NEB-related conditions. Algorithms developed to predict the effect of missense changes on protein structure and function output the following: SIFT: "Tolerated"; PolyPhen-2: "Not Available"; Align-GVGD: "Class C0". The isoleucine amino acid residue is found in multiple mammalian species, which suggests that this missense change does not adversely affect protein function. In summary, the available evidence is currently insufficient to determine the role of this variant in disease. Therefore, it has been classified as a Variant of Uncertain Significance.